The following is an entry in ClinVar:

NM_005413.4(SIX3):c.840G>A (p.Met280Ile)

Gene: SIX3 (SIX homeobox 3; plus strand). Cytogenetic location: 2p21.
Variant type: single nucleotide variant.
Coding change: c.840G>A on transcript NM_005413.4 (MANE Select); coding-DNA position 840, G replaced by A.
Protein change: p.Met280Ile; replaces methionine 280 with isoleucine.
Molecular consequence: missense variant.
Genome position (GRCh38, 1-based): chr2:44,944,601, G>A. VCF-style: chr2-44944601-G-A. GRCh37 (hg19) VCF-style: chr2-45171740-G-A.
Other names: c.840G>A (NM_005413.3); short protein forms M280I.
Identifiers: ClinVar variation 2977847 (VCV002977847.4), dbSNP rs1275748806, ClinGen allele CA346800495.

ClinVar aggregate classification (germline): Uncertain significance. Review status: criteria provided, multiple submitters, no conflicts (2 of 4 stars). 2 submissions from 2 submitters: Uncertain significance (2). Last evaluated 2025-12-02.

Conditions:
Holoprosencephaly 2 (HPE2). Identifiers: Orphanet 2162, MedGen C1834877, MONDO:0007999, OMIM 157170.
Inborn genetic diseases. Identifiers: MedGen C0950123, MeSH D030342.

Allele frequency attached by ClinVar (database versions not stated): gnomAD exomes below 0.00001; TOPMed below 0.00001; gnomAD 0.00001.
gnomAD v4.1: 6 of 1,576,290 alleles (0.00038%); highest among the groups gnomAD compares: Non-Finnish European, 0.00043%; no homozygotes.

Submissions (2):

Ambry Genetics
Classification: Uncertain significance for Inborn genetic diseases. Last evaluated: 2025-12-02. Review status: criteria provided, single submitter. Criteria: Ambry Variant Classification Scheme 2023. Collection method: clinical testing. Allele origin: germline.

Labcorp Genetics (formerly Invitae), Labcorp
Classification: Uncertain significance for Holoprosencephaly 2. Last evaluated: 2024-04-27. Review status: criteria provided, single submitter. Criteria: Invitae Variant Classification Sherloc (09022015). Collection method: clinical testing. Allele origin: germline.
Comment: This sequence change replaces methionine, which is neutral and non-polar, with isoleucine, which is neutral and non-polar, at codon 280 of the SIX3 protein (p.Met280Ile). This variant is not present in population databases (gnomAD no frequency). This variant has not been reported in the literature in individuals affected with SIX3-related conditions. Advanced modeling of protein sequence and biophysical properties (such as structural, functional, and spatial information, amino acid conservation, physicochemical variation, residue mobility, and thermodynamic stability) performed at Invitae indicates that this missense variant is not expected to disrupt SIX3 protein function with a negative predictive value of 80%. In summary, the available evidence is currently insufficient to determine the role of this variant in disease. Therefore, it has been classified as a Variant of Uncertain Significance.